The following is an entry in ClinVar:

ClinVar aggregate classification (germline): Uncertain significance (1 of 4 stars; one submission).

Conditions:
Developmental and epileptic encephalopathy, 11 (DEE11). Also called: Early infantile epileptic encephalopathy 11. Identifiers: Orphanet 1934, MedGen C3150987, MONDO:0013388, OMIM 613721.
Seizures, benign familial infantile, 3 (BFIS3). Also called: Familial neonatal seizures; CONVULSIONS, BENIGN FAMILIAL INFANTILE, 3. Identifiers: Orphanet 140927, Orphanet 306, MedGen C1843140, MONDO:0011904, OMIM 607745.

Submission:

Labcorp Genetics (formerly Invitae), Labcorp
Classification: Uncertain significance for Seizures, benign familial infantile, 3; Developmental and epileptic encephalopathy, 11. Last evaluated: 2024-01-27. Review status: criteria provided, single submitter. Criteria: Invitae Variant Classification Sherloc (09022015). Collection method: clinical testing. Allele origin: germline.
Comment: This sequence change replaces aspartic acid, which is acidic and polar, with valine, which is neutral and non-polar, at codon 80 of the SCN2A protein (p.Asp80Val). This variant is not present in population databases (gnomAD no frequency). This variant has not been reported in the literature in individuals affected with SCN2A-related conditions. Advanced modeling of protein sequence and biophysical properties (such as structural, functional, and spatial information, amino acid conservation, physicochemical variation, residue mobility, and thermodynamic stability) performed at Invitae indicates that this missense variant is expected to disrupt SCN2A protein function with a positive predictive value of 95%. In summary, the available evidence is currently insufficient to determine the role of this variant in disease. Therefore, it has been classified as a Variant of Uncertain Significance.

NM_001040142.2(SCN2A):c.239A>T (p.Asp80Val)

Gene: SCN2A (sodium voltage-gated channel alpha subunit 2; plus strand). Cytogenetic location: 2q24.3.
Variant type: single nucleotide variant.
Coding change: c.239A>T on transcript NM_001040142.2 (MANE Select); coding-DNA position 239, A replaced by T.
Protein change: p.Asp80Val; replaces aspartic acid 80 with valine.
Molecular consequence: missense variant.
Genome position (GRCh38, 1-based): chr2:165,296,062, A>T. VCF-style: chr2-165296062-A-T. GRCh37 (hg19) VCF-style: chr2-166152572-A-T.
Other names: c.239A>T, p.Asp80Val (NM_001040143.2, NM_001371246.1, NM_001371247.1 and 1 more transcripts); short protein forms D80V.
Identifiers: ClinVar variation 2922219 (VCV002922219.3), dbSNP rs2467839044, ClinGen allele CA349010784.